The following is an entry in ClinVar:

ClinVar aggregate classification (germline): Uncertain significance. Review status: criteria provided, multiple submitters, no conflicts (2 of 4 stars). 3 submissions from 3 submitters: Uncertain significance (3). Last evaluated 2021-11-27.

Conditions:
LAMA2-related muscular dystrophy (LAMA2-RD). Also called: Laminin alpha 2-related dystrophy. Identifiers: MedGen C5679788, MONDO:0100228.

Allele frequency attached by ClinVar (database versions not stated): TOPMed below 0.00001; ExAC 0.00001; gnomAD 0.00001 and 0.00002; gnomAD exomes 0.00001 and 0.00002.
gnomAD v4.1: 22 of 1,614,178 alleles (0.0014%); highest among the groups gnomAD compares: Middle Eastern, 0.017%; no homozygotes.

Submissions (3):

Revvity Omics, Revvity
Classification: Uncertain significance. Last evaluated: 2021-11-27. Review status: criteria provided, single submitter. Criteria: ACMG Guidelines, 2015. Collection method: clinical testing. Allele origin: germline.

Labcorp Genetics (formerly Invitae), Labcorp
Classification: Uncertain significance for LAMA2-related muscular dystrophy. Last evaluated: 2021-09-17. Review status: criteria provided, single submitter. Criteria: Invitae Variant Classification Sherloc (09022015). Collection method: clinical testing. Allele origin: germline.
Comment: This sequence change replaces glutamine with leucine at codon 1892 of the LAMA2 protein (p.Gln1892Leu). The glutamine residue is moderately conserved and there is a moderate physicochemical difference between glutamine and leucine. This variant is present in population databases (rs779542581, ExAC 0.002%). This variant has not been reported in the literature in individuals with LAMA2-related conditions. ClinVar contains an entry for this variant (Variation ID: 435707). Algorithms developed to predict the effect of missense changes on protein structure and function (SIFT, PolyPhen-2, Align-GVGD) all suggest that this variant is likely to be tolerated, but these predictions have not been confirmed by published functional studies and their clinical significance is uncertain. In summary, the available evidence is currently insufficient to determine the role of this variant in disease. Therefore, it has been classified as a Variant of Uncertain Significance.

Genetic Services Laboratory, University of Chicago
Classification: Uncertain significance. Last evaluated: 2016-08-04. Review status: criteria provided, single submitter. Criteria: ACMG Guidelines, 2015. Collection method: clinical testing. Allele origin: germline. Affected: no.

NM_000426.4(LAMA2):c.5675A>T (p.Gln1892Leu)

Gene: LAMA2 (laminin subunit alpha 2; plus strand). Cytogenetic location: 6q22.33.
Variant type: single nucleotide variant.
Coding change: c.5675A>T on transcript NM_000426.4 (MANE Select); coding-DNA position 5675, A replaced by T.
Protein change: p.Gln1892Leu; replaces glutamine 1892 with leucine.
Molecular consequence: missense variant.
Genome position (GRCh38, 1-based): chr6:129,402,436, A>T. VCF-style: chr6-129402436-A-T. GRCh37 (hg19) VCF-style: chr6-129723581-A-T.
Other names: c.5675A>T, p.Gln1892Leu (NM_001079823.2); short protein forms Q1892L.
Identifiers: ClinVar variation 435707 (VCV000435707.10), dbSNP rs779542581, ClinGen allele CA3993949.
Genomic context (GRCh38, chr6:129,402,436, plus strand): 5'-ATAAAATAGATGACCTCTCCCAAGAAATAAAGGACAGGAAGCTTGCTGAGAAGGTGTCCC[A>T]GGCTGAGAGCCACGCAGCTCAGTTGAATGACTCATCTGCTGTCCTTGATGGGTATGTCAT-3'
Protein context (NP_000417.3, residues 1882-1902): KDRKLAEKVS[Gln1892Leu]AESHAAQLND